The following is an entry in ClinVar:

NM_000551.4(VHL):c.377_379dup (p.Asp126dup)

Genes: VHL (von Hippel-Lindau tumor suppressor; plus strand), LOC107303340 (3p25 von Hippel-Lindau tumor suppressor, E3 ubiquitin protein ligase Alu-mediated recombination region; plus strand). Cytogenetic location: 3p25.3.
Variant type: Duplication.
Coding change: c.377_379dup on transcript NM_000551.4 (MANE Select); coding-DNA positions 377 to 379, 3 bases duplicated (ATG; older notation c.377_379dupATG).
Protein change: p.Asp126dup; duplicates aspartic acid 126.
Molecular consequence: inframe insertion. On other transcripts: intron variant (2).
Genome position (GRCh38, 1-based): chr3:10,146,550-10,146,552, ATG duplicated; duplicating any 3 consecutive bases within chr3:10,146,549-10,146,552 gives the same sequence; the c. name uses the placement nearest the transcript's 3' end. VCF-style (leftmost placement, unchanged base first): chr3-10146548-C-CGAT. GRCh37 (hg19) VCF-style: chr3-10188232-C-CGAT.
Other names: c.*18-3237_*18-3235dup (NM_001354723.2); c.341-3237_341-3235dup (NM_198156.3).
Identifiers: ClinVar variation 945627 (VCV000945627.11), dbSNP rs1696262591, ClinGen allele CA1139655755.

ClinVar aggregate classification (germline): Conflicting classifications of pathogenicity. Review status: criteria provided, conflicting classifications (1 of 4 stars). 2 submissions from 2 submitters: Likely pathogenic (1); Uncertain significance (1). Last evaluated 2023-01-01.

Conditions:
Pheochromocytoma. Also called: MAX-Related Hereditary Paraganglioma-Pheochromocytoma Syndrome. Identifiers: Orphanet 29072, MedGen C0031511, MONDO:0008233, OMIM 171300, HP:0002666.
Von Hippel-Lindau syndrome (VHLS). Also called: von Hippel–Lindau syndrome; VHL syndrome; Von Hippel-Lindau. Identifiers: Orphanet 892, MedGen C0019562, MONDO:0008667, OMIM 193300. Disease mechanism: loss of function.
Chuvash polycythemia. Also called: POLYCYTHEMIA, VHL-DEPENDENT. Identifiers: Orphanet 238557, MedGen C1837915, MONDO:0009892, OMIM 263400.

Submissions (2):

Cell Therapy Center, University of Jordan
Classification: Likely pathogenic for Pheochromocytoma. Last evaluated: 2023-01-01. Review status: criteria provided, single submitter. Criteria: ACMG Guidelines, 2015. Collection method: clinical testing. Allele origin: germline. Inheritance: Autosomal dominant inheritance. Affected: yes. Observed: 11 variant alleles, 11 heterozygotes. Clinical features observed: Hypertensive disorder (HP:0000822), Palpitations (HP:0001962), Anxiety (HP:0000739).
Comment: The VHL c.377_379dup (p.Asp126dup) is in-frame insertion of 1 amino acid (duplication of three nucleotides ATG). nonsense variant classified as likely pathogenic, according to ACMG Guidelines (2015).PM4 applies PM5, PM2 PM1. Found in 11 patients from one family suffered from Pheochromocytoma.

Labcorp Genetics (formerly Invitae), Labcorp
Classification: Uncertain significance for Von Hippel-Lindau syndrome; Chuvash polycythemia. Last evaluated: 2019-07-24. Review status: criteria provided, single submitter. Criteria: Invitae Variant Classification Sherloc (09022015). Collection method: clinical testing. Allele origin: germline.
Comment: In summary, the available evidence is currently insufficient to determine the role of this variant in disease. Therefore, it has been classified as a Variant of Uncertain Significance. Experimental studies and prediction algorithms are not available for this variant, and the functional significance of the affected amino acid(s) is currently unknown. This variant has been observed in an individual with clinical features of von Hippel-Lindau syndrome type 2C (Invitae). This variant is not present in population databases (ExAC no frequency). This variant, c.377_379dup, results in the insertion of 1 amino acid(s) to the VHL protein (p.Asp126dup), but otherwise preserves the integrity of the reading frame.

Literature cited by the submitters: PubMed 38824681 (cited by Cell Therapy Center, University of Jordan).